The following is an entry in ClinVar:

NM_020433.5(JPH2):c.1169+18G>C

Gene: JPH2 (junctophilin 2; minus strand). Cytogenetic location: 20q13.12.
Variant type: single nucleotide variant.
Coding change: c.1169+18G>C on transcript NM_020433.5 (MANE Select); 18 bases into the intron after coding-DNA position 1169, G replaced by C.
Molecular consequence: intron variant.
Genome position (GRCh38, 1-based): chr20:44,159,600, C>G on the plus strand (G>C on the coding strand, the complement: JPH2 is on the minus strand). VCF-style: chr20-44159600-C-G. GRCh37 (hg19) VCF-style: chr20-42788240-C-G.
Identifiers: ClinVar variation 389544 (VCV000389544.1), dbSNP rs761686789, ClinGen allele CA16608360.

ClinVar aggregate classification (germline): Likely benign (1 of 4 stars; one submission).

Submission:

GeneDx
Classification: Likely benign. Last evaluated: 2016-09-26. Review status: criteria provided, single submitter. Criteria: GeneDx Variant Classification (06012015). Collection method: clinical testing. Allele origin: germline. Affected: yes.
Comment: This variant is considered likely benign or benign based on one or more of the following criteria: it is a conservative change, it occurs at a poorly conserved position in the protein, it is predicted to be benign by multiple in silico algorithms, and/or has population frequency not consistent with disease.